The following is an entry in ClinVar:

ClinVar aggregate classification (germline): Uncertain significance (1 of 4 stars; one submission).

gnomAD v4.1: 1 of 1,593,744 alleles (0.000063%); highest among the groups gnomAD compares: Non-Finnish European, 0.000086%; no homozygotes.

Submission:

Mayo Clinic Laboratories, Mayo Clinic
Classification: Uncertain significance. Last evaluated: 2024-07-29. Review status: criteria provided, single submitter. Criteria: ACMG Guidelines, 2015. Collection method: clinical testing. Allele origin: germline. Observed: 2 variant alleles.
Comment: BP4, PM2

NM_001009944.3(PKD1):c.1900A>G (p.Thr634Ala)

Gene: PKD1 (polycystin 1, transient receptor potential channel interacting; minus strand). Cytogenetic location: 16p13.3.
Variant type: single nucleotide variant.
Coding change: c.1900A>G on transcript NM_001009944.3 (MANE Select); coding-DNA position 1900, A replaced by G.
Protein change: p.Thr634Ala; replaces threonine 634 with alanine.
Molecular consequence: missense variant.
Genome position (GRCh38, 1-based): chr16:2,115,575, T>C on the plus strand (A>G on the coding strand, the complement: PKD1 is on the minus strand). VCF-style: chr16-2115575-T-C. GRCh37 (hg19) VCF-style: chr16-2165576-T-C.
Other names: p.Thr634Ala; c.1900A>G, p.Thr634Ala (NM_000296.4); short protein forms T634A.
Identifiers: ClinVar variation 3380358 (VCV003380358.1).
Genomic context (GRCh38, chr16:2,115,575, plus strand): 5'-AGCAGATGTTGGCTCCAGGGCACCAGCGTCCCCCTGGCATGCACGCGGGGGCCAGCTGGG[T>C]CCTGTTGTCCGGGGACCTGCTCTCAGGCTCGCTGCCGTTCTCCGGGGTCCCTGTGAGGAG-3'
Protein context (NP_001009944.3, residues 624-644): EPESRSPDNR[Thr634Ala]QLAPACMPGG